The following is an entry in ClinVar:

ClinVar aggregate classification (germline): Uncertain significance (1 of 4 stars; one submission).

Allele frequency attached by ClinVar (database versions not stated): ExAC 0.00001.
gnomAD v4.1: 1 of 1,614,158 alleles (0.000062%); highest among the groups gnomAD compares: South Asian, 0.0011%; no homozygotes.

Submission:

Ambry Genetics
Classification: Uncertain significance. Last evaluated: 2024-01-20. Review status: criteria provided, single submitter. Criteria: Ambry Variant Classification Scheme 2023. Collection method: clinical testing. Allele origin: germline.
Comment: The p.A129D variant (also known as c.386C>A), located in coding exon 1 of the MLH3 gene, results from a C to A substitution at nucleotide position 386. The alanine at codon 129 is replaced by aspartic acid, an amino acid with dissimilar properties. This amino acid position is conserved. In addition, the in silico prediction for this alteration is inconclusive. Based on the available evidence, the clinical significance of this alteration remains unclear.

NM_001040108.2(MLH3):c.386C>A (p.Ala129Asp)

Gene: MLH3 (mutL homolog 3; minus strand). Cytogenetic location: 14q24.3.
Variant type: single nucleotide variant.
Coding change: c.386C>A on transcript NM_001040108.2 (MANE Select); coding-DNA position 386, C replaced by A.
Protein change: p.Ala129Asp; replaces alanine 129 with aspartic acid.
Molecular consequence: missense variant.
Genome position (GRCh38, 1-based): chr14:75,049,270, G>T on the plus strand (C>A on the coding strand, the complement: MLH3 is on the minus strand). VCF-style: chr14-75049270-G-T. GRCh37 (hg19) VCF-style: chr14-75515973-G-T.
Other names: c.386C>A, p.Ala129Asp (NM_014381.3); short protein forms A129D.
Identifiers: ClinVar variation 3232559 (VCV003232559.1), dbSNP rs760995153, ClinGen allele CA7276041.